The following is an entry in ClinVar:

NM_000815.5(GABRD):c.821C>T (p.Ala274Val)

Gene: GABRD (gamma-aminobutyric acid type A receptor subunit delta; plus strand). Cytogenetic location: 1p36.33.
Variant type: single nucleotide variant.
Coding change: c.821C>T on transcript NM_000815.5 (MANE Select); coding-DNA position 821, C replaced by T.
Protein change: p.Ala274Val; replaces alanine 274 with valine.
Molecular consequence: missense variant.
Genome position (GRCh38, 1-based): chr1:2,029,240, C>T. VCF-style: chr1-2029240-C-T. GRCh37 (hg19) VCF-style: chr1-1960679-C-T.
Other names: short protein forms A274V.
Identifiers: ClinVar variation 1054877 (VCV001054877.6), dbSNP rs749733672, ClinGen allele CA534794.

ClinVar aggregate classification (germline): Uncertain significance (1 of 4 stars; one submission).

Conditions:
Idiopathic generalized epilepsy. Also called: EIG; Generalised epilepsy. Identifiers: MedGen C0270850, MONDO:0005579, OMIM 600669.

Allele frequency attached by ClinVar (database versions not stated): gnomAD 0.00001; ExAC 0.00007; 1000 Genomes Project 30x 0.00016.

Submission:

Labcorp Genetics (formerly Invitae), Labcorp
Classification: Uncertain significance for Idiopathic generalized epilepsy. Last evaluated: 2022-04-07. Review status: criteria provided, single submitter. Criteria: Invitae Variant Classification Sherloc (09022015). Collection method: clinical testing. Allele origin: germline.
Comment: This sequence change replaces alanine, which is neutral and non-polar, with valine, which is neutral and non-polar, at codon 274 of the GABRD protein (p.Ala274Val). The frequency data for this variant in the population databases is considered unreliable, as metrics indicate poor data quality at this position in the gnomAD database. This variant has not been reported in the literature in individuals affected with GABRD-related conditions. ClinVar contains an entry for this variant (Variation ID: 1054877). Algorithms developed to predict the effect of missense changes on protein structure and function (SIFT, PolyPhen-2, Align-GVGD) all suggest that this variant is likely to be tolerated. Algorithms developed to predict the effect of sequence changes on RNA splicing suggest that this variant may create or strengthen a splice site. In summary, the available evidence is currently insufficient to determine the role of this variant in disease. Therefore, it has been classified as a Variant of Uncertain Significance.